The following is an entry in ClinVar:

NM_000458.4(HNF1B):c.1591G>C (p.Ala531Pro)

Gene: HNF1B (HNF1 homeobox B; minus strand). Cytogenetic location: 17q12.
Variant type: single nucleotide variant.
Coding change: c.1591G>C on transcript NM_000458.4 (MANE Select); coding-DNA position 1591, G replaced by C.
Protein change: p.Ala531Pro; replaces alanine 531 with proline.
Molecular consequence: missense variant. On other transcripts: intron variant (1).
Genome position (GRCh38, 1-based): chr17:37,699,138, C>G on the plus strand (G>C on the coding strand, the complement: HNF1B is on the minus strand). VCF-style: chr17-37699138-C-G. GRCh37 (hg19) VCF-style: chr17-36059144-C-G.
Other names: c.1513G>C, p.Ala505Pro (NM_001165923.4); c.1261+5779G>C (NM_001304286.2); short protein forms A531P, A505P.
Identifiers: ClinVar variation 597268 (VCV000597268.9), dbSNP rs752480540, ClinGen allele CA8518791.
Genomic context (GRCh38, chr17:37,699,138, plus strand): 5'-GTTTACTTGAAGACATGTTGGTGAGTGTACTGATGCTGCTGGTATCTGTGACCACCATTG[C>G]AGATGGAAACCGGGAGGTGTGGGAATACTGGGGGGGTTCCTGCTTGTGTGCGTACACTGG-3'
Protein context (NP_000449.1, residues 521-541): QYSHTSRFPS[Ala531Pro]MVVTDTSSIS

ClinVar aggregate classification (germline): Uncertain significance. Review status: criteria provided, multiple submitters, no conflicts (2 of 4 stars). 3 submissions from 3 submitters: Uncertain significance (2). 1 of the submissions does not count toward it. Last evaluated 2025-12-18.

Conditions:
Maturity-onset diabetes of the young (MODY). Also called: Maturity onset diabetes mellitus in young. Identifiers: Orphanet 552, MedGen C0342276, MONDO:0018911, HP:0004904.

Allele frequency attached by ClinVar (database versions not stated): gnomAD exomes below 0.00001 and 0.00001; TOPMed 0.00001; ExAC 0.00002.
gnomAD v4.1: 5 of 1,614,132 alleles (0.00031%); highest among the groups gnomAD compares: Admixed American, 0.0033%; no homozygotes.

Submissions (3):

Labcorp Genetics (formerly Invitae), Labcorp
Classification: Uncertain significance. Last evaluated: 2025-12-18. Review status: criteria provided, single submitter. Criteria: Invitae Variant Classification Sherloc (09022015). Collection method: clinical testing. Allele origin: germline.
Comment: This sequence change replaces alanine, which is neutral and non-polar, with proline, which is neutral and non-polar, at codon 531 of the HNF1B protein (p.Ala531Pro). This variant is present in population databases (rs752480540, gnomAD 0.006%). This variant has not been reported in the literature in individuals affected with HNF1B-related conditions. ClinVar contains an entry for this variant (Variation ID: 597268). Invitae Evidence Modeling of protein sequence and biophysical properties (such as structural, functional, and spatial information, amino acid conservation, physicochemical variation, residue mobility, and thermodynamic stability) indicates that this missense variant is not expected to disrupt HNF1B protein function with a negative predictive value of 80%. In summary, the available evidence is currently insufficient to determine the role of this variant in disease. Therefore, it has been classified as a Variant of Uncertain Significance.

Eurofins Ntd Llc (ga)
Classification: Uncertain significance. Last evaluated: 2018-05-22. Review status: criteria provided, single submitter. Criteria: EGL ClinVar v180209 classification definitions. Collection method: clinical testing. Allele origin: germline. Observed: 1 variant allele, 1 heterozygote.

Clinical Genomics, Uppaluri K&H Personalized Medicine Clinic
Classification: Likely risk allele for Maturity-onset diabetes of the young. Review status: flagged submission. Criteria: K & H Uppaluri Personalized Medicine Clinic Variant Classification & Assertion Criteria_Updated V.1. Collection method: research. Allele origin: unknown. Inheritance: Autosomal dominant inheritance. Not counted in ClinVar's aggregate classification.
Comment: HNF1B gene mutations are associated with early onset diabetes and pancreatic atrophy. It is also associated with multiple renal manifestations including renal cysts, Tubulointerstitial disease, glomerulocystic disease, renal hypoplasia, hypomagnesemia. However no sufficient evidence is found to ascertain the role of this particular variant rs752480540, yet.
ClinVar note: Notes: Lab calls the variant likely risk allele but says "no sufficient evidence is found to ascertain the role of this particular variant”.
ClinVar note: Reason: Claim with insufficient supporting evidence

Literature cited by the submitters: PubMed 24897035 (cited by Clinical Genomics, Uppaluri K&H Personalized Medicine Clinic); PubMed 25536396 (cited by Clinical Genomics, Uppaluri K&H Personalized Medicine Clinic); PubMed 27615128 (cited by Clinical Genomics, Uppaluri K&H Personalized Medicine Clinic); PubMed 28215227 (cited by Clinical Genomics, Uppaluri K&H Personalized Medicine Clinic); PubMed 33434175 (cited by Clinical Genomics, Uppaluri K&H Personalized Medicine Clinic); PubMed 25741167 (cited by Clinical Genomics, Uppaluri K&H Personalized Medicine Clinic); PubMed 26340261 (cited by Clinical Genomics, Uppaluri K&H Personalized Medicine Clinic); PubMed 19639018 (cited by Clinical Genomics, Uppaluri K&H Personalized Medicine Clinic).